The following is an entry in ClinVar:

NM_139343.3(BIN1):c.1328C>G (p.Ala443Gly)

Gene: BIN1 (bridging integrator 1; minus strand). Cytogenetic location: 2q14.3.
Variant type: single nucleotide variant.
Coding change: c.1328C>G on transcript NM_139343.3 (MANE Select); coding-DNA position 1328, C replaced by G.
Protein change: p.Ala443Gly; replaces alanine 443 with glycine.
Molecular consequence: missense variant. On other transcripts: intron variant (9).
Genome position (GRCh38, 1-based): chr2:127,052,298, G>C on the plus strand (C>G on the coding strand, the complement: BIN1 is on the minus strand). VCF-style: chr2-127052298-G-C. GRCh37 (hg19) VCF-style: chr2-127809874-G-C.
Other names: c.1235C>G, p.Ala412Gly (NM_001320641.2); c.1247C>G, p.Ala416Gly (NM_001320642.1); c.1199C>G, p.Ala400Gly (NM_139344.3); c.1067C>G, p.Ala356Gly (NM_139345.3); c.1103C>G, p.Ala368Gly (NM_139347.3); c.974C>G, p.Ala325Gly (NM_139349.3); c.838-1386C>G (NM_001320634.1); c.910-1386C>G (NM_139351.3); and 7 more; short protein forms A443G, A400G, A325G, A368G, A356G, A412G, A416G.
Identifiers: ClinVar variation 568413 (VCV000568413.9), dbSNP rs758494519, ClinGen allele CA1857097.

ClinVar aggregate classification (germline): Uncertain significance (1 of 4 stars; one submission).

Conditions:
Myopathy, centronuclear, 2 (CNM2). Also called: MYOTUBULAR MYOPATHY, AUTOSOMAL RECESSIVE. Identifiers: Orphanet 169186, MedGen CN031787, MONDO:0009709, OMIM 255200.

Allele frequency attached by ClinVar (database versions not stated): TOPMed 0.00001; gnomAD 0.00003; ExAC 0.00004.
gnomAD v4.1: 23 of 1,586,516 alleles (0.0014%); highest among the groups gnomAD compares: Non-Finnish European, 0.002%; no homozygotes.

Submissions (2):

Labcorp Genetics (formerly Invitae), Labcorp
Classification: Uncertain significance for Myopathy, centronuclear, 2. Last evaluated: 2023-07-29. Review status: criteria provided, single submitter. Criteria: Invitae Variant Classification Sherloc (09022015). Collection method: clinical testing. Allele origin: germline.
Comment: In summary, the available evidence is currently insufficient to determine the role of this variant in disease. Therefore, it has been classified as a Variant of Uncertain Significance. An algorithm developed to predict the effect of missense changes on protein structure and function (PolyPhen-2) suggests that this variant is likely to be tolerated. ClinVar contains an entry for this variant (Variation ID: 568413). This variant has not been reported in the literature in individuals affected with BIN1-related conditions. This variant is present in population databases (rs758494519, gnomAD 0.004%). This sequence change replaces alanine, which is neutral and non-polar, with glycine, which is neutral and non-polar, at codon 443 of the BIN1 protein (p.Ala443Gly).

Dr. Peter K. Rogan Lab, Western University
No classification provided (evidence only). Condition: Uterine carcinosarcoma. Review status: no classification provided. Collection method: in vitro. Allele origin: not applicable. Functional consequence: retained intron. Not counted in ClinVar's aggregate classification.